The following is an entry in ClinVar:

ClinVar aggregate classification (germline): Uncertain significance (1 of 4 stars; one submission).

Conditions:
Generalized epilepsy with febrile seizures plus, type 7 (GEFSP7). Also called: GEFS+, TYPE 7. Identifiers: Orphanet 36387, MedGen C2751778, MONDO:0013470, OMIM 613863.
Neuropathy, hereditary sensory and autonomic, type 2A (HSAN2A). Also called: HSAN IIA; MORVAN DISEASE; NEUROPATHY, CONGENITAL SENSORY; NEUROPATHY, HEREDITARY SENSORY RADICULAR, AUTOSOMAL RECESSIVE; NEUROPATHY, HEREDITARY SENSORY, TYPE IIA; NEUROPATHY, PROGRESSIVE SENSORY, OF CHILDREN. Identifiers: Orphanet 970, MedGen C2752089, MONDO:0024309, OMIM 201300.

Allele frequency attached by ClinVar (database versions not stated): ESP Exome Variant Server 0.00008.
gnomAD v4.1: 2 of 1,579,642 alleles (0.00013%); highest among the groups gnomAD compares: African/African-American, 0.0027%; no homozygotes.

Submission:

Labcorp Genetics (formerly Invitae), Labcorp
Classification: Uncertain significance for Neuropathy, hereditary sensory and autonomic, type 2A; Generalized epilepsy with febrile seizures plus, type 7. Last evaluated: 2022-07-24. Review status: criteria provided, single submitter. Criteria: Invitae Variant Classification Sherloc (09022015). Collection method: clinical testing. Allele origin: germline.
Comment: This sequence change replaces arginine, which is basic and polar, with leucine, which is neutral and non-polar, at codon 1279 of the SCN9A protein (p.Arg1279Leu). The frequency data for this variant in the population databases is considered unreliable, as metrics indicate poor data quality at this position in the gnomAD database. In summary, the available evidence is currently insufficient to determine the role of this variant in disease. Therefore, it has been classified as a Variant of Uncertain Significance. Algorithms developed to predict the effect of sequence changes on RNA splicing suggest that this variant may disrupt the consensus splice site. Algorithms developed to predict the effect of missense changes on protein structure and function (SIFT, PolyPhen-2, Align-GVGD) all suggest that this variant is likely to be disruptive. This variant has not been reported in the literature in individuals affected with SCN9A-related conditions.

NM_001365536.1(SCN9A):c.3869G>T (p.Arg1290Leu)

Genes: SCN9A (sodium voltage-gated channel alpha subunit 9; minus strand), SCN1A-AS1 (SCN1A and SCN9A antisense RNA 1; plus strand). Cytogenetic location: 2q24.3.
Variant type: single nucleotide variant.
Coding change: c.3869G>T on transcript NM_001365536.1 (MANE Select); coding-DNA position 3869, G replaced by T.
Protein change: p.Arg1290Leu; replaces arginine 1290 with leucine.
Molecular consequence: missense variant.
Genome position (GRCh38, 1-based): chr2:166,233,395, C>A on the plus strand (G>T on the coding strand, the complement: SCN9A is on the minus strand). VCF-style: chr2-166233395-C-A. GRCh37 (hg19) VCF-style: chr2-167089905-C-A.
Other names: c.3836G>T, p.Arg1279Leu (NM_002977.4); short protein forms R1279L, R1290L.
Identifiers: ClinVar variation 2143612 (VCV002143612.4), dbSNP rs368396027, ClinGen allele CA1943988.
Genomic context (GRCh38, chr2:166,233,395, plus strand): 5'-CTTACCCTCATTCCTTCAAATCTAGATAAGGCTCTTAGAGGTCTTAAAGCTCTCAGTGTC[C>A]GAAGGGATTTAATGGGGCCAAGATCTGAGTAGCCAAGAGTGTTTGCCACTAAAGTAACCA-3'
Protein context (NP_001352465.1, residues 1280-1300): YSDLGPIKSL[Arg1290Leu]TLRALRPLRA